The following is an entry in ClinVar:

NM_000492.4(CFTR):c.710A>C (p.Gln237Pro)

Gene: CFTR (CF transmembrane conductance regulator; plus strand). Cytogenetic location: 7q31.2.
Variant type: single nucleotide variant.
Coding change: c.710A>C on transcript NM_000492.4 (MANE Select); coding-DNA position 710, A replaced by C.
Protein change: p.Gln237Pro; replaces glutamine 237 with proline.
Molecular consequence: missense variant.
Genome position (GRCh38, 1-based): chr7:117,535,378, A>C. VCF-style: chr7-117535378-A-C. GRCh37 (hg19) VCF-style: chr7-117175432-A-C.
Other names: short protein forms Q237P.
Identifiers: ClinVar variation 1921232 (VCV001921232.6), dbSNP rs1554380493, ClinGen allele CA368977118.

ClinVar aggregate classification (germline): Conflicting classifications of pathogenicity. Review status: criteria provided, conflicting classifications (1 of 4 stars). 2 submissions from 2 submitters: Likely pathogenic (1); Uncertain significance (1). Last evaluated 2025-12-11.

Conditions:
Cystic fibrosis (CF). Also called: MUCOVISCIDOSIS. Identifiers: Orphanet 586, MedGen C0010674, MONDO:0009061, OMIM 219700. Disease mechanism: loss of function.

Submissions (2):

Women's Health and Genetics/Laboratory Corporation of America, LabCorp
Classification: Likely pathogenic for Cystic fibrosis. Last evaluated: 2025-12-11. Review status: criteria provided, single submitter. Criteria: LabCorp Variant Classification Summary - May 2015. Collection method: clinical testing. Allele origin: germline.
Comment: Variant summary: CFTR c.710A>C (p.Gln237Pro) results in a non-conservative amino acid change in the encoded protein sequence. Algorithms developed to predict the effect of missense changes on protein structure and function all suggest that this variant is likely to be disruptive. The variant was absent in 251392 control chromosomes. c.710A>C has been observed in a presumed compound heterozygous state in at least 1 individual affected with adolescent onset Cystic Fibrosis (example, Lemson_2025). A different variant affecting the same codon has been classified as likely pathogenic by our lab (c.709C>G, p.Gln237Glu), supporting the critical relevance of codon 237 to CFTR protein function. At least 1 publication reports experimental evidence evaluating an impact on protein function. The most pronounced variant effect resulted in approximately 14% of normal chloride channel conductance relative to wild type (e.g., Bihler_2024). The following publications have been ascertained in the context of this evaluation (PMID: 38388235, 40159410). ClinVar contains an entry for this variant (Variation ID: 1921232). Based on the evidence outlined above, the variant was classified as likely pathogenic.

Labcorp Genetics (formerly Invitae), Labcorp
Classification: Uncertain significance for Cystic fibrosis. Last evaluated: 2025-07-22. Review status: criteria provided, single submitter. Criteria: Invitae Variant Classification Sherloc (09022015). Collection method: clinical testing. Allele origin: germline.
Comment: This sequence change replaces glutamine, which is neutral and polar, with proline, which is neutral and non-polar, at codon 237 of the CFTR protein (p.Gln237Pro). This variant is not present in population databases (gnomAD no frequency). This variant has not been reported in the literature in individuals affected with CFTR-related conditions. ClinVar contains an entry for this variant (Variation ID: 1921232). Invitae Evidence Modeling of protein sequence and biophysical properties (such as structural, functional, and spatial information, amino acid conservation, physicochemical variation, residue mobility, and thermodynamic stability) indicates that this missense variant is expected to disrupt CFTR protein function with a positive predictive value of 80%. This variant disrupts the p.Gln237 amino acid residue in CFTR. Other variant(s) that disrupt this residue have been observed in individuals with CFTR-related conditions (PMID: 15463882, 24022636), which suggests that this may be a clinically significant amino acid residue. In summary, the available evidence is currently insufficient to determine the role of this variant in disease. Therefore, it has been classified as a Variant of Uncertain Significance.

Literature cited by the submitters: PubMed 38388235 (cited by Women's Health and Genetics/Laboratory Corporation of America, LabCorp); PubMed 40159410 (cited by Women's Health and Genetics/Laboratory Corporation of America, LabCorp); PubMed 15463882 (cited by Labcorp Genetics (formerly Invitae), Labcorp); PubMed 24022636 (cited by Labcorp Genetics (formerly Invitae), Labcorp).